The following is an entry in ClinVar:

NM_005235.3(ERBB4):c.63G>T (p.Gln21His)

Gene: ERBB4 (erb-b2 receptor tyrosine kinase 4; minus strand). Cytogenetic location: 2q34.
Variant type: single nucleotide variant.
Coding change: c.63G>T on transcript NM_005235.3 (MANE Select); coding-DNA position 63, G replaced by T.
Protein change: p.Gln21His; replaces glutamine 21 with histidine.
Molecular consequence: missense variant.
Genome position (GRCh38, 1-based): chr2:212,538,468, C>A on the plus strand (G>T on the coding strand, the complement: ERBB4 is on the minus strand). VCF-style: chr2-212538468-C-A. GRCh37 (hg19) VCF-style: chr2-213403192-C-A.
Other names: c.63G>T, p.Gln21His (NM_001042599.2, NM_001439005.1, NM_001439006.1); short protein forms Q21H.
Identifiers: ClinVar variation 4534444 (VCV004534444.7).

ClinVar aggregate classification (germline): Conflicting classifications of pathogenicity. Review status: criteria provided, conflicting classifications (1 of 4 stars). 2 submissions from 2 submitters: Uncertain significance (1); Likely benign (1). Last evaluated 2026-04-28.

gnomAD v4.1: 51 of 1,613,962 alleles (0.0032%); highest among the groups gnomAD compares: African/African-American, 0.04%; 1 homozygote.

Submissions (2):

Women's Health and Genetics/Laboratory Corporation of America, LabCorp
Classification: Uncertain significance. Last evaluated: 2026-04-28. Review status: criteria provided, single submitter. Criteria: LabCorp Variant Classification Summary - May 2015. Collection method: clinical testing. Allele origin: germline.
Comment: Variant summary: ERBB4 c.63G>T (p.Gln21His) results in a non-conservative amino acid change in the encoded protein sequence. Algorithms developed to predict the effect of missense changes on protein structure and function are either unavailable or do not agree on the potential impact of this missense change. The variant allele was found at a frequency of 2.8e-05 in 249568 control chromosomes. The available data on variant occurrences in the general population are insufficient to allow any conclusion about variant significance. To our knowledge, no occurrence of c.63G>T in individuals affected with ERBB4-related conditions and no experimental evidence demonstrating its impact on protein function have been reported. ClinVar contains an entry for this variant (Variation ID: 4534444). Based on the evidence outlined above, the variant was classified as uncertain significance.

CeGaT Center for Human Genetics Tuebingen
Classification: Likely benign. Last evaluated: 2025-11-01. Review status: criteria provided, single submitter. Criteria: CeGaT Center For Human Genetics Tuebingen Variant Classification Criteria Version 2. Collection method: clinical testing. Allele origin: germline. Affected: yes. Observed: 1 variant allele.
Comment: ERBB4: BS2